The following is an entry in ClinVar:

NM_014738.6(TMEM94):c.272+6C>T

Gene: TMEM94 (transmembrane protein 94; plus strand). Cytogenetic location: 17q25.1.
Variant type: single nucleotide variant.
Coding change: c.272+6C>T on transcript NM_014738.6 (MANE Select); 6 bases into the intron after coding-DNA position 272, C replaced by T.
Molecular consequence: intron variant.
Genome position (GRCh38, 1-based): chr17:75,486,004, C>T. VCF-style: chr17-75486004-C-T. GRCh37 (hg19) VCF-style: chr17-73482085-C-T.
Other names: c.272+6C>T (NM_001321149.2, NM_001351202.2); c.302+6C>T (NM_001321148.2, NM_001351203.2).
Identifiers: ClinVar variation 3045329 (VCV003045329.2), dbSNP rs376376096, ClinGen allele CA8761384.

ClinVar aggregate classification (germline): Likely benign (0 of 4 stars; one submission).

Conditions:
TMEM94-related disorder. Also called: TMEM94-related condition.

Allele frequency attached by ClinVar (database versions not stated): gnomAD 0.00002; ExAC 0.00003; gnomAD exomes 0.00003; ESP Exome Variant Server 0.00008.

Submission:

PreventionGenetics, part of Exact Sciences
Classification: Likely benign for TMEM94-related condition. Last evaluated: 2019-04-03. Review status: no assertion criteria provided. Collection method: clinical testing. Allele origin: germline.
Comment: This variant is classified as likely benign based on ACMG/AMP sequence variant interpretation guidelines (Richards et al. 2015 PMID: 25741868, with internal and published modifications).